The following is an entry in ClinVar:

NM_005732.4(RAD50):c.1258G>A (p.Glu420Lys)

Gene: RAD50 (RAD50 double strand break repair protein; plus strand). Cytogenetic location: 5q31.1.
Variant type: single nucleotide variant.
Coding change: c.1258G>A on transcript NM_005732.4 (MANE Select); coding-DNA position 1258, G replaced by A.
Protein change: p.Glu420Lys; replaces glutamic acid 420 with lysine.
Molecular consequence: missense variant.
Genome position (GRCh38, 1-based): chr5:132,589,643, G>A. VCF-style: chr5-132589643-G-A. GRCh37 (hg19) VCF-style: chr5-131925335-G-A.
Other names: short protein forms E420K.
Identifiers: ClinVar variation 480424 (VCV000480424.15), dbSNP rs977594501, ClinGen allele CA127244686.

ClinVar aggregate classification (germline): Uncertain significance. Review status: criteria provided, multiple submitters, no conflicts (2 of 4 stars). 2 submissions from 2 submitters: Uncertain significance (2). Last evaluated 2025-08-02.

Conditions:
Hereditary cancer-predisposing syndrome. Also called: Hereditary Cancer Syndrome; Neoplastic Syndromes, Hereditary; Tumor predisposition; Hereditary neoplastic syndrome. Identifiers: Orphanet 140162, MedGen C0027672, MeSH D009386, MONDO:0015356.

Allele frequency attached by ClinVar (database versions not stated): gnomAD exomes below 0.00001; TOPMed 0.00001.
gnomAD v4.1: 2 of 1,589,724 alleles (0.00013%); highest among the groups gnomAD compares: African/African-American, 0.0027%; no homozygotes.

Submissions (2):

Ambry Genetics
Classification: Uncertain significance for Hereditary cancer-predisposing syndrome. Last evaluated: 2025-08-02. Review status: criteria provided, single submitter. Criteria: Ambry Variant Classification Scheme 2023. Collection method: clinical testing. Allele origin: germline.
Comment: The p.E420K variant (also known as c.1258G>A), located in coding exon 9 of the RAD50 gene, results from a G to A substitution at nucleotide position 1258. The glutamic acid at codon 420 is replaced by lysine, an amino acid with similar properties. This amino acid position is not well conserved in available vertebrate species. In addition, this alteration is predicted to be tolerated by in silico analysis. Since supporting evidence is limited at this time, the clinical significance of this alteration remains unclear.

Labcorp Genetics (formerly Invitae), Labcorp
Classification: Uncertain significance for Hereditary cancer-predisposing syndrome. Last evaluated: 2023-09-13. Review status: criteria provided, single submitter. Criteria: Invitae Variant Classification Sherloc (09022015). Collection method: clinical testing. Allele origin: germline.
Comment: In summary, the available evidence is currently insufficient to determine the role of this variant in disease. Therefore, it has been classified as a Variant of Uncertain Significance. Advanced modeling of protein sequence and biophysical properties (such as structural, functional, and spatial information, amino acid conservation, physicochemical variation, residue mobility, and thermodynamic stability) performed at Invitae indicates that this missense variant is not expected to disrupt RAD50 protein function. ClinVar contains an entry for this variant (Variation ID: 480424). This variant has not been reported in the literature in individuals affected with RAD50-related conditions. This variant is not present in population databases (gnomAD no frequency). This sequence change replaces glutamic acid, which is acidic and polar, with lysine, which is basic and polar, at codon 420 of the RAD50 protein (p.Glu420Lys).